The following is an entry in ClinVar:

NM_022124.6(CDH23):c.1535C>T (p.Thr512Met)

Gene: CDH23 (cadherin related 23; plus strand). Cytogenetic location: 10q22.1.
Variant type: single nucleotide variant.
Coding change: c.1535C>T on transcript NM_022124.6 (MANE Select); coding-DNA position 1535, C replaced by T.
Protein change: p.Thr512Met; replaces threonine 512 with methionine.
Molecular consequence: missense variant.
Genome position (GRCh38, 1-based): chr10:71,677,476, C>T. VCF-style: chr10-71677476-C-T. GRCh37 (hg19) VCF-style: chr10-73437233-C-T.
Other names: c.1535C>T (NM_022124.5); c.1535C>T, p.Thr512Met (NM_001171930.2, NM_001171931.2); short protein forms T512M.
Identifiers: ClinVar variation 2162349 (VCV002162349.5), dbSNP rs370747698, ClinGen allele CA5543884.

ClinVar aggregate classification (germline): Uncertain significance. Review status: criteria provided, multiple submitters, no conflicts (2 of 4 stars). 4 submissions from 4 submitters: Uncertain significance (4). Last evaluated 2024-10-23.

Conditions:
Pituitary adenoma 5, multiple types. Identifiers: MedGen C4539685, MONDO:0054601, OMIM 617540.

Allele frequency attached by ClinVar (database versions not stated): gnomAD 0.00002; TOPMed 0.00002; ExAC 0.00005; ESP Exome Variant Server 0.00008.
gnomAD v4.1: 48 of 1,609,584 alleles (0.003%); highest among the groups gnomAD compares: Middle Eastern, 0.016%; no homozygotes.

Submissions (4):

GeneDx
Classification: Uncertain significance. Last evaluated: 2024-10-23. Review status: criteria provided, single submitter. Criteria: GeneDx Variant Classification Process June 2021. Collection method: clinical testing. Allele origin: germline. Affected: yes.
Comment: In silico analysis supports that this missense variant has a deleterious effect on protein structure/function; This variant is associated with the following publications: (PMID: 35020051)

Blueprint Genetics
Classification: Uncertain significance. Last evaluated: 2023-12-22. Review status: criteria provided, single submitter. Criteria: ACMG Guidelines, 2015. Collection method: clinical testing. Allele origin: germline.

Labcorp Genetics (formerly Invitae), Labcorp
Classification: Uncertain significance. Last evaluated: 2023-12-04. Review status: criteria provided, single submitter. Criteria: Invitae Variant Classification Sherloc (09022015). Collection method: clinical testing. Allele origin: germline.
Comment: This sequence change replaces threonine, which is neutral and polar, with methionine, which is neutral and non-polar, at codon 512 of the CDH23 protein (p.Thr512Met). This variant is present in population databases (rs370747698, gnomAD 0.01%). This missense change has been observed in individual(s) with non-syndromic hearing loss (PMID: 35020051). ClinVar contains an entry for this variant (Variation ID: 2162349). Advanced modeling of protein sequence and biophysical properties (such as structural, functional, and spatial information, amino acid conservation, physicochemical variation, residue mobility, and thermodynamic stability) performed at Invitae indicates that this missense variant is not expected to disrupt CDH23 protein function with a negative predictive value of 95%. In summary, the available evidence is currently insufficient to determine the role of this variant in disease. Therefore, it has been classified as a Variant of Uncertain Significance.

Baylor Genetics
Classification: Uncertain significance for Pituitary adenoma 5, multiple types. Last evaluated: 2023-10-10. Review status: criteria provided, single submitter. Criteria: ACMG Guidelines, 2015. Collection method: clinical testing. Allele origin: unknown.

Literature cited by the submitters: PubMed 35020051 (cited by Labcorp Genetics (formerly Invitae), Labcorp).